The following is an entry in ClinVar:

ClinVar aggregate classification (germline): Uncertain significance (1 of 4 stars; one submission).

Conditions:
Combined immunodeficiency due to ORAI1 deficiency. Also called: IMMUNODEFICIENCY 9. Identifiers: Orphanet 169090, Orphanet 317428, MedGen C2748568, MONDO:0013007, OMIM 612782.
Myopathy, tubular aggregate, 2 (TAM2). Identifiers: MedGen C4014557, MONDO:0014383, OMIM 615883.

Submission:

Labcorp Genetics (formerly Invitae), Labcorp
Classification: Uncertain significance for Myopathy, tubular aggregate, 2; Combined immunodeficiency due to ORAI1 deficiency. Last evaluated: 2024-10-10. Review status: criteria provided, single submitter. Criteria: Invitae Variant Classification Sherloc (09022015). Collection method: clinical testing. Allele origin: germline.
Comment: This sequence change replaces phenylalanine, which is neutral and non-polar, with valine, which is neutral and non-polar, at codon 250 of the ORAI1 protein (p.Phe250Val). This variant is not present in population databases (gnomAD no frequency). This variant has not been reported in the literature in individuals affected with ORAI1-related conditions. Experimental studies and prediction algorithms are not available or were not evaluated, and the functional significance of this variant is currently unknown. In summary, the available evidence is currently insufficient to determine the role of this variant in disease. Therefore, it has been classified as a Variant of Uncertain Significance.

NC_000012.12:g.121641485T>G

Gene: ORAI1 (ORAI calcium release-activated calcium modulator 1; plus strand). Cytogenetic location: 12q24.31.
Variant type: single nucleotide variant.
Molecular consequence: non-coding transcript variant (on NR_186857.1).
Genome position: GRCh38 VCF-style: chr12-121641485-T-G. GRCh37 (hg19) VCF-style: chr12-122079391-T-G.
Identifiers: ClinVar variation 3755734 (VCV003755734.2).